The following is an entry in ClinVar:

NM_018163.3(DNAJC17):c.776A>C (p.His259Pro)

Gene: DNAJC17 (DnaJ heat shock protein family (Hsp40) member C17; minus strand). Cytogenetic location: 15q15.1.
Variant type: single nucleotide variant.
Coding change: c.776A>C on transcript NM_018163.3 (MANE Select); coding-DNA position 776, A replaced by C.
Protein change: p.His259Pro; replaces histidine 259 with proline.
Molecular consequence: missense variant.
Genome position (GRCh38, 1-based): chr15:40,773,743, T>G on the plus strand (A>C on the coding strand, the complement: DNAJC17 is on the minus strand). VCF-style: chr15-40773743-T-G. GRCh37 (hg19) VCF-style: chr15-41065941-T-G.
Other names: short protein forms H259P.
Identifiers: ClinVar variation 3707284 (VCV003707284.2).
Genomic context (GRCh38, chr15:40,773,743, plus strand): 5'-CTCCGAGACCTGAGCGCCCAGCCGGGCGAGGCCTGACTCCTCACCTTTGACAGTCCTGAG[T>G]GGCTGCGGCCCACGGCATCCTGGGGCTGTCCCTCCAACCAGGAAATCTTCAGAGGGTTAT-3'
Protein context (NP_060633.1, residues 249-269): GQPQDAVGRS[His259Pro]SGLSKGSVLS

ClinVar aggregate classification (germline): Uncertain significance (1 of 4 stars; one submission).

gnomAD v4.1: 152 of 1,613,664 alleles (0.0094%); highest among the groups gnomAD compares: Non-Finnish European, 0.013%; no homozygotes.

Submission:

Labcorp Genetics (formerly Invitae), Labcorp
Classification: Uncertain significance. Last evaluated: 2025-06-04. Review status: criteria provided, single submitter. Criteria: Invitae Variant Classification Sherloc (09022015). Collection method: clinical testing. Allele origin: germline.
Comment: This sequence change replaces histidine, which is basic and polar, with proline, which is neutral and non-polar, at codon 259 of the DNAJC17 protein (p.His259Pro). This variant is present in population databases (rs759455673, gnomAD 0.01%). This variant has not been reported in the literature in individuals affected with DNAJC17-related conditions. ClinVar contains an entry for this variant (Variation ID: 3707284). An algorithm developed to predict the effect of missense changes on protein structure and function outputs the following: PolyPhen-2: "Benign". The proline amino acid residue is found in multiple mammalian species, which suggests that this missense change does not adversely affect protein function. In summary, the available evidence is currently insufficient to determine the role of this variant in disease. Therefore, it has been classified as a Variant of Uncertain Significance.